The following is an entry in ClinVar:

ClinVar aggregate classification (germline): Uncertain significance (1 of 4 stars; one submission).

Conditions:
Autosomal dominant limb-girdle muscular dystrophy type 1D (DNAJB6) (LGMDD1). Also called: MUSCULAR DYSTROPHY, LIMB-GIRDLE, TYPE 1D; MUSCULAR DYSTROPHY, AUTOSOMAL DOMINANT, WITH RIMMED VACUOLES; Autosomal dominant limb-girdle muscular dystrophy type 1D; Muscular dystrophy, limb-girdle, autosomal dominant 1. Identifiers: Orphanet 34516, MedGen C4721885, MONDO:0021018, OMIM 603511.

gnomAD v4.1: 2 of 1,533,534 alleles (0.00013%); highest among the groups gnomAD compares: Non-Finnish European, 0.000087%; no homozygotes.

Submission:

Labcorp Genetics (formerly Invitae), Labcorp
Classification: Uncertain significance for Autosomal dominant limb-girdle muscular dystrophy type 1D (DNAJB6). Last evaluated: 2024-10-16. Review status: criteria provided, single submitter. Criteria: Invitae Variant Classification Sherloc (09022015). Collection method: clinical testing. Allele origin: germline.
Comment: This sequence change replaces alanine, which is neutral and non-polar, with proline, which is neutral and non-polar, at codon 249 of the DNAJB6 protein (p.Ala249Pro). This variant is not present in population databases (gnomAD no frequency). This variant has not been reported in the literature in individuals affected with DNAJB6-related conditions. Invitae Evidence Modeling of protein sequence and biophysical properties (such as structural, functional, and spatial information, amino acid conservation, physicochemical variation, residue mobility, and thermodynamic stability) indicates that this missense variant is not expected to disrupt DNAJB6 protein function with a negative predictive value of 80%. In summary, the available evidence is currently insufficient to determine the role of this variant in disease. Therefore, it has been classified as a Variant of Uncertain Significance.

NM_058246.4(DNAJB6):c.745G>C (p.Ala249Pro)

Gene: DNAJB6 (DnaJ heat shock protein family (Hsp40) member B6; plus strand). Cytogenetic location: 7q36.3.
Variant type: single nucleotide variant.
Coding change: c.745G>C on transcript NM_058246.4 (MANE Select); coding-DNA position 745, G replaced by C.
Protein change: p.Ala249Pro; replaces alanine 249 with proline.
Molecular consequence: missense variant.
Genome position (GRCh38, 1-based): chr7:157,409,848, G>C. VCF-style: chr7-157409848-G-C. GRCh37 (hg19) VCF-style: chr7-157202542-G-C.
Other names: c.400G>C, p.Ala134Pro (NM_001363676.1); short protein forms A134P, A249P.
Identifiers: ClinVar variation 3703825 (VCV003703825.2).